The following is an entry in ClinVar:

ClinVar aggregate classification (germline): Uncertain significance (1 of 4 stars; one submission).

Submission:

GeneDx
Classification: Uncertain significance. Last evaluated: 2024-10-01. Review status: criteria provided, single submitter. Criteria: GeneDx Variant Classification Process June 2021. Collection method: clinical testing. Allele origin: germline. Affected: yes.
Comment: Not observed at significant frequency in large population cohorts (gnomAD); In silico analysis indicates that this missense variant does not alter protein structure/function; Has not been previously published as pathogenic or benign to our knowledge

NM_080680.3(COL11A2):c.3901C>A (p.Gln1301Lys)

Gene: COL11A2 (collagen type XI alpha 2 chain; minus strand). Cytogenetic location: 6p21.32.
Variant type: single nucleotide variant.
Coding change: c.3901C>A on transcript NM_080680.3 (MANE Select); coding-DNA position 3901, C replaced by A.
Protein change: p.Gln1301Lys; replaces glutamine 1301 with lysine.
Molecular consequence: missense variant.
Genome position (GRCh38, 1-based): chr6:33,168,711, G>T on the plus strand (C>A on the coding strand, the complement: COL11A2 is on the minus strand). VCF-style: chr6-33168711-G-T. GRCh37 (hg19) VCF-style: chr6-33136488-G-T.
Other names: c.3721C>A, p.Gln1241Lys (NM_001424108.1); c.3055C>A, p.Gln1019Lys (NM_001424109.1); c.2875C>A, p.Gln959Lys (NM_001424110.1, NM_001424111.1); c.1855C>A, p.Gln619Lys (NM_001424112.1); c.3580C>A, p.Gln1194Lys (NM_080679.3); c.3643C>A, p.Gln1215Lys (NM_080681.3); short protein forms Q1019K, Q1194K, Q1215K, Q1241K, Q1301K, Q619K, Q959K.
Identifiers: ClinVar variation 3776486 (VCV003776486.1).
Genomic context (GRCh38, chr6:33,168,711, plus strand): 5'-GGTAAAGAGGATGAGGCTTGGGCTCAGGGGGGTGGTGGGGTCACCAGGCACTCACAGGCT[G>T]TCCTGGCTCACCATCCTCGCCTCGGTCACCCTTAGCACCATCCTGGCCCTGCAGAAGTGA-3'
Protein context (NP_542411.2, residues 1291-1311): GDRGEDGEPG[Gln1301Lys]PGSPGPTGEN